The following is an entry in ClinVar:

NM_001933.5(DLST):c.-10C>T

Gene: DLST (dihydrolipoamide S-succinyltransferase; plus strand). Cytogenetic location: 14q24.3.
Variant type: single nucleotide variant.
Coding change: c.-10C>T on transcript NM_001933.5 (MANE Select); 10 bases upstream of the start codon, C replaced by T.
Molecular consequence: 5 prime UTR variant. On other transcripts: non-coding transcript variant (2).
Genome position (GRCh38, 1-based): chr14:74,881,944, C>T. VCF-style: chr14-74881944-C-T. GRCh37 (hg19) VCF-style: chr14-75348647-C-T.
Other names: c.-10C>T (NM_001244883.2).
Identifiers: ClinVar variation 3043396 (VCV003043396.2), dbSNP rs750745041, ClinGen allele CA7273241.

ClinVar aggregate classification (germline): Likely benign (0 of 4 stars; one submission).

Conditions:
DLST-related disorder. Also called: DLST-related condition.

Allele frequency attached by ClinVar (database versions not stated): gnomAD 0.00013; gnomAD exomes 0.00015; ExAC 0.00059.
gnomAD v4.1: 240 of 1,546,646 alleles (0.016%); highest among the groups gnomAD compares: Middle Eastern, 0.14%; 2 homozygotes.

Submission:

PreventionGenetics, part of Exact Sciences
Classification: Likely benign for DLST-related condition. Last evaluated: 2019-06-20. Review status: no assertion criteria provided. Collection method: clinical testing. Allele origin: germline.
Comment: This variant is classified as likely benign based on ACMG/AMP sequence variant interpretation guidelines (Richards et al. 2015 PMID: 25741868, with internal and published modifications).